The following is an entry in ClinVar:

NM_152564.5(VPS13B):c.2522A>G (p.Lys841Arg)

Gene: VPS13B (vacuolar protein sorting 13 homolog B; plus strand). Cytogenetic location: 8q22.2.
Variant type: single nucleotide variant.
Coding change: c.2522A>G on transcript NM_152564.5 (MANE Select); coding-DNA position 2522, A replaced by G.
Protein change: p.Lys841Arg; replaces lysine 841 with arginine.
Molecular consequence: missense variant.
Genome position (GRCh38, 1-based): chr8:99,274,204, A>G. VCF-style: chr8-99274204-A-G. GRCh37 (hg19) VCF-style: chr8-100286432-A-G.
Other names: c.2522A>G, p.Lys841Arg (NM_017890.5); short protein forms K841R.
Identifiers: ClinVar variation 861069 (VCV000861069.7), dbSNP rs1376390404, ClinGen allele CA371862104.

ClinVar aggregate classification (germline): Uncertain significance. Review status: criteria provided, multiple submitters, no conflicts (2 of 4 stars). 4 submissions from 4 submitters: Uncertain significance (2). 2 of the submissions do not count toward it. Last evaluated 2021-08-31.

Conditions:
VPS13B-related disorder. Also called: VPS13B-related condition.
Cohen syndrome (COH1). Also called: PEPPER SYNDROME; Cutis verticis gyrata, retinitis pigmentosa, and sensorineural deafness. Identifiers: Orphanet 193, MedGen C0265223, MONDO:0008999, OMIM 216550.

Allele frequency attached by ClinVar (database versions not stated): gnomAD exomes below 0.00001; TOPMed 0.00001.
gnomAD v4.1: 7 of 1,614,112 alleles (0.00043%); highest among the groups gnomAD compares: Non-Finnish European, 0.00051%; no homozygotes.

Submissions (4):

Labcorp Genetics (formerly Invitae), Labcorp
Classification: Uncertain significance for Cohen syndrome. Last evaluated: 2021-08-31. Review status: criteria provided, single submitter. Criteria: Invitae Variant Classification Sherloc (09022015). Collection method: clinical testing. Allele origin: germline.

New York Genome Center
Classification: Uncertain significance for Cohen syndrome. Last evaluated: 2020-12-22. Review status: criteria provided, single submitter. Criteria: NYGC Assertion Criteria 2020. Collection method: clinical testing. Allele origin: germline. Observed: 1 heterozygote.

Natera, Inc.
Classification: Uncertain significance for Cohen syndrome. Last evaluated: 2025-02-11. Review status: no assertion criteria provided. Collection method: clinical testing. Allele origin: germline. Not counted in ClinVar's aggregate classification.

PreventionGenetics, part of Exact Sciences
Classification: Uncertain significance for VPS13B-related condition. Last evaluated: 2024-03-20. Review status: no assertion criteria provided. Collection method: clinical testing. Allele origin: germline. Not counted in ClinVar's aggregate classification.
Comment: The VPS13B c.2522A>G variant is predicted to result in the amino acid substitution p.Lys841Arg. To our knowledge, this variant has not been reported in the literature. This variant is reported in 0.00088% of alleles in individuals of European (Non-Finnish) descent in gnomAD. At this time, the clinical significance of this variant is uncertain due to the absence of conclusive functional and genetic evidence.